The following is an entry in ClinVar:

ClinVar aggregate classification (germline): Uncertain significance (1 of 4 stars; one submission).

Allele frequency attached by ClinVar (database versions not stated): gnomAD exomes below 0.00001.
gnomAD v4.1: 1 of 1,608,086 alleles (0.000062%); highest among the groups gnomAD compares: Non-Finnish European, 0.000085%; no homozygotes.

Submission:

Labcorp Genetics (formerly Invitae), Labcorp
Classification: Uncertain significance. Last evaluated: 2022-01-16. Review status: criteria provided, single submitter. Criteria: Invitae Variant Classification Sherloc (09022015). Collection method: clinical testing. Allele origin: germline.
Comment: In summary, the available evidence is currently insufficient to determine the role of this variant in disease. Therefore, it has been classified as a Variant of Uncertain Significance. Variants that disrupt the consensus splice site are a relatively common cause of aberrant splicing (PMID: 17576681, 9536098). Algorithms developed to predict the effect of sequence changes on RNA splicing suggest that this variant may disrupt the consensus splice site. This variant has not been reported in the literature in individuals affected with SPPL2A-related conditions. This variant is not present in population databases (gnomAD no frequency). This sequence change falls in intron 14 of the SPPL2A gene. It does not directly change the encoded amino acid sequence of the SPPL2A protein. It affects a nucleotide within the consensus splice site.

Literature cited by the submitters: PubMed 17576681; PubMed 9536098.

NM_032802.4(SPPL2A):c.1488+1G>T

Gene: SPPL2A (signal peptide peptidase like 2A; minus strand). Cytogenetic location: 15q21.2.
Variant type: single nucleotide variant.
Coding change: c.1488+1G>T on transcript NM_032802.4 (MANE Select); the canonical splice donor site of the intron after coding-DNA position 1488, G replaced by T.
Molecular consequence: splice donor variant.
Genome position (GRCh38, 1-based): chr15:50,719,939, C>A on the plus strand (G>T on the coding strand, the complement: SPPL2A is on the minus strand). VCF-style: chr15-50719939-C-A. GRCh37 (hg19) VCF-style: chr15-51012136-C-A.
Identifiers: ClinVar variation 2086156 (VCV002086156.4), dbSNP rs2542797237, ClinGen allele CA392407230.